The following is an entry in ClinVar:

NM_001377540.1(SLMAP):c.1245G>C (p.Leu415Phe)

Gene: SLMAP (sarcolemma associated protein; plus strand). Cytogenetic location: 3p14.3.
Variant type: single nucleotide variant.
Coding change: c.1245G>C on transcript NM_001377540.1 (MANE Select); coding-DNA position 1245, G replaced by C.
Protein change: p.Leu415Phe; replaces leucine 415 with phenylalanine.
Molecular consequence: missense variant. On other transcripts: non-coding transcript variant (1), intron variant (9).
Genome position (GRCh38, 1-based): chr3:57,871,643, G>C. VCF-style: chr3-57871643-G-C. GRCh37 (hg19) VCF-style: chr3-57857370-G-C.
Other names: c.1194G>C, p.Leu398Phe (NM_001304420.3, NM_001377541.1, NM_001377542.1 and 2 more transcripts); c.1245G>C, p.Leu415Phe (NM_001377538.1, NM_001377539.1, NM_001377555.1); c.1143G>C, p.Leu381Phe (NM_001377549.1, NM_001377923.1, NM_007159.5); c.1237+6351G>C (NM_001377545.1, NM_001377922.1); c.1186+6786G>C (NM_001377552.1, NM_001377551.1, NM_001377924.1); c.1135+6927G>C (NM_001377559.1, NM_001377557.1, NM_001377925.1 and 1 more transcripts); c.1143G>C (NM_007159.2); short protein forms L398F, L415F, L381F.
Identifiers: ClinVar variation 3633757 (VCV003633757.4).

ClinVar aggregate classification (germline): Uncertain significance. Review status: criteria provided, multiple submitters, no conflicts (2 of 4 stars). 2 submissions from 2 submitters: Uncertain significance (2). Last evaluated 2025-07-02.

Conditions:
Brugada syndrome. Also called: Sudden unexpected nocturnal death syndrome; Sudden Unexplained Death Syndrome; Sudden Unexplained Nocturnal Death Syndrome (SUNDS); Sudden unexplained nocturnal death syndrome. Identifiers: Orphanet 130, MedGen C1142166, MONDO:0015263.

gnomAD v4.1: 76 of 1,612,442 alleles (0.0047%); highest among the groups gnomAD compares: East Asian, 0.0089%; no homozygotes.

Submissions (2):

Ambry Genetics
Classification: Uncertain significance. Last evaluated: 2025-07-02. Review status: criteria provided, single submitter. Criteria: Ambry Variant Classification Scheme 2023. Collection method: clinical testing. Allele origin: germline.

Labcorp Genetics (formerly Invitae), Labcorp
Classification: Uncertain significance for Brugada syndrome. Last evaluated: 2024-07-03. Review status: criteria provided, single submitter. Criteria: Invitae Variant Classification Sherloc (09022015). Collection method: clinical testing. Allele origin: germline.
Comment: This sequence change replaces leucine, which is neutral and non-polar, with phenylalanine, which is neutral and non-polar, at codon 381 of the SLMAP protein (p.Leu381Phe). This variant is present in population databases (rs762688800, gnomAD 0.004%). This variant has not been reported in the literature in individuals affected with SLMAP-related conditions. An algorithm developed to predict the effect of missense changes on protein structure and function (PolyPhen-2) suggests that this variant is likely to be tolerated. In summary, the available evidence is currently insufficient to determine the role of this variant in disease. Therefore, it has been classified as a Variant of Uncertain Significance.